The following is an entry in ClinVar:

NM_007194.4(CHEK2):c.931G>C (p.Asp311His)

Gene: CHEK2 (checkpoint kinase 2; minus strand). Cytogenetic location: 22q12.1.
Variant type: single nucleotide variant.
Coding change: c.931G>C on transcript NM_007194.4 (MANE Select); coding-DNA position 931, G replaced by C.
Protein change: p.Asp311His; replaces aspartic acid 311 with histidine.
Molecular consequence: missense variant.
Genome position (GRCh38, 1-based): chr22:28,699,915, C>G on the plus strand (G>C on the coding strand, the complement: CHEK2 is on the minus strand). VCF-style: chr22-28699915-C-G. GRCh37 (hg19) VCF-style: chr22-29095903-C-G.
Other names: c.1060G>C, p.Asp354His (NM_001005735.3); c.268G>C, p.Asp90His (NM_001257387.3); c.730G>C, p.Asp244His (NM_001349956.3); c.931G>C, p.Asp311His (NM_145862.3); short protein forms D311H, D354H, D90H, D244H.
Identifiers: ClinVar variation 481734 (VCV000481734.11), dbSNP rs587782347, ClinGen allele CA411100053.

ClinVar aggregate classification (germline): Uncertain significance. Review status: criteria provided, multiple submitters, no conflicts (2 of 4 stars). 3 submissions from 3 submitters: Uncertain significance (3). Last evaluated 2025-01-13.

Conditions:
Familial cancer of breast. Also called: BREAST CANCER, FAMILIAL; Hereditary breast cancer; hereditary breast carcinoma. Identifiers: Orphanet 227535, MedGen C0346153, MONDO:0016419, OMIM 114480. Disease mechanism: loss of function.
Hereditary cancer-predisposing syndrome. Also called: Neoplastic Syndromes, Hereditary; Tumor predisposition; Hereditary Cancer Syndrome; Hereditary neoplastic syndrome. Identifiers: Orphanet 140162, MedGen C0027672, MeSH D009386, MONDO:0015356.

Submissions (3):

Labcorp Genetics (formerly Invitae), Labcorp
Classification: Uncertain significance for Familial cancer of breast. Last evaluated: 2025-01-13. Review status: criteria provided, single submitter. Criteria: Invitae Variant Classification Sherloc (09022015). Collection method: clinical testing. Allele origin: germline.
Comment: This sequence change replaces aspartic acid, which is acidic and polar, with histidine, which is basic and polar, at codon 311 of the CHEK2 protein (p.Asp311His). This variant is not present in population databases (gnomAD no frequency). This variant has not been reported in the literature in individuals affected with CHEK2-related conditions. ClinVar contains an entry for this variant (Variation ID: 481734). An algorithm developed to predict the effect of missense changes on protein structure and function (PolyPhen-2) suggests that this variant is likely to be tolerated. In summary, the available evidence is currently insufficient to determine the role of this variant in disease. Therefore, it has been classified as a Variant of Uncertain Significance.

Ambry Genetics
Classification: Uncertain significance for Hereditary cancer-predisposing syndrome. Last evaluated: 2021-09-23. Review status: criteria provided, single submitter. Criteria: Ambry Variant Classification Scheme 2023. Collection method: clinical testing. Allele origin: germline.
Comment: The p.D311H variant (also known as c.931G>C), located in coding exon 8 of the CHEK2 gene, results from a G to C substitution at nucleotide position 931. The aspartic acid at codon 311 is replaced by histidine, an amino acid with similar properties. This amino acid position is not well conserved in available vertebrate species. In addition, the in silico prediction for this alteration is inconclusive. Since supporting evidence is limited at this time, the clinical significance of this alteration remains unclear.

Quest Diagnostics Nichols Institute San Juan Capistrano
Classification: Uncertain significance. Last evaluated: 2021-08-04. Review status: criteria provided, single submitter. Criteria: Quest Diagnostics criteria. Collection method: clinical testing. Allele origin: unknown.